The following is an entry in ClinVar:

NM_001128159.3(VPS53):c.959T>G (p.Phe320Cys)

Gene: VPS53 (VPS53 subunit of GARP complex; minus strand). Cytogenetic location: 17p13.3.
Variant type: single nucleotide variant.
Coding change: c.959T>G on transcript NM_001128159.3 (MANE Select); coding-DNA position 959, T replaced by G.
Protein change: p.Phe320Cys; replaces phenylalanine 320 with cysteine.
Molecular consequence: missense variant.
Genome position (GRCh38, 1-based): chr17:627,189, A>C on the plus strand (T>G on the coding strand, the complement: VPS53 is on the minus strand). VCF-style: chr17-627189-A-C. GRCh37 (hg19) VCF-style: chr17-530429-A-C.
Other names: c.959T>G, p.Phe320Cys (NM_001366253.2); c.365T>G, p.Phe122Cys (NM_001366254.2); c.872T>G, p.Phe291Cys (NM_018289.4); short protein forms F320C, F291C, F122C.
Identifiers: ClinVar variation 1032644 (VCV001032644.1), dbSNP rs1302881349, ClinGen allele CA397488229.

ClinVar aggregate classification (germline): Uncertain significance (1 of 4 stars; one submission).

Conditions:
Pontocerebellar hypoplasia type 2E. Identifiers: Orphanet 247198, MedGen C4014488, MONDO:0014370, OMIM 615851.

Allele frequency attached by ClinVar (database versions not stated): gnomAD 0.00001; gnomAD exomes 0.00001; TOPMed below 0.00001.
gnomAD v4.1: 4 of 1,612,550 alleles (0.00025%); highest among the groups gnomAD compares: Admixed American, 0.0067%; no homozygotes.

Submission:

Baylor Genetics
Classification: Uncertain significance for Pontocerebellar hypoplasia type 2E. Last evaluated: 2018-01-29. Review status: criteria provided, single submitter. Criteria: ACMG Guidelines, 2015. Collection method: clinical testing. Allele origin: unknown. Affected: yes.
Comment: This variant was determined to be of uncertain significance according to ACMG Guidelines, 2015 [PMID:25741868].